The following is an entry in ClinVar:

NM_000276.4(OCRL):c.850G>A (p.Glu284Lys)

Gene: OCRL (OCRL inositol polyphosphate-5-phosphatase; plus strand). Cytogenetic location: Xq26.1.
Variant type: single nucleotide variant.
Coding change: c.850G>A on transcript NM_000276.4 (MANE Select); coding-DNA position 850, G replaced by A.
Protein change: p.Glu284Lys; replaces glutamic acid 284 with lysine.
Molecular consequence: missense variant.
Genome position (GRCh38, 1-based): chrX:129,561,204, G>A. VCF-style: chrX-129561204-G-A. GRCh37 (hg19) VCF-style: chrX-128695181-G-A.
Other names: c.853G>A, p.Glu285Lys (NM_001318784.2); c.850G>A, p.Glu284Lys (NM_001587.4); short protein forms E284K, E285K.
Identifiers: ClinVar variation 1299573 (VCV001299573.2), dbSNP rs2124404743, ClinGen allele CA414552217.

ClinVar aggregate classification (germline): Conflicting classifications of pathogenicity. Review status: criteria provided, conflicting classifications (1 of 4 stars). 2 submissions from 2 submitters: Likely pathogenic (1); Uncertain significance (1). Last evaluated 2025-12-10.

Conditions:
Lowe syndrome (OCRL). Also called: LOWE OCULOCEREBRORENAL SYNDROME; PHOSPHATIDYLINOSITOL 4,5-BISPHOSPHATE 5-PHOSPHATASE DEFICIENCY; Oculocerebrorenal Syndrome. Identifiers: Orphanet 534, MedGen C0028860, MONDO:0010645, OMIM 309000.

Submissions (2):

Victorian Clinical Genetics Services, Murdoch Childrens Research Institute
Classification: Uncertain significance for Lowe syndrome. Last evaluated: 2025-12-10. Review status: criteria provided, single submitter. Criteria: ACMG Guidelines, 2015. Collection method: clinical testing. Allele origin: germline. Affected: yes.
Comment: This variant is classified as VUS-3A. Evidence in support of pathogenic classification: Variant is absent from gnomAD (v2, v3 and v4); This variant has limited previous evidence of pathogenicity in unrelated individual(s). This variant has been classified as likely pathogenic by a clinical laboratory in ClinVar. The individual was not available for a full clinical assessment for Lowe syndrome. The OCRL variant was shown to be inherited from the mother who had cerulean cataracts; a maternal history of cataracts was also noted (PMID: 23947751); Missense variant predicted to be damaging by in silico tool(s) or highly conserved with a major amino acid change. Additional information: Variant is predicted to result in a missense amino acid change from Glu to Lys; This variant is heterozygous; This gene is associated with X-linked disease; Alternative amino acid change(s) at the same position are present in gnomAD (highest allele count: v4: 0 heterozygote(s), 0 homozygote(s), 1 hemizygote(s)); No published functional evidence has been identified for this variant; No comparable missense variants have previous evidence for pathogenicity; Variant is located in the annotated Endonuclease/Exonuclease/phosphatase family domain (DECIPHER); Loss of function is a known mechanism of disease in this gene and is associated with oculocerebrorenal syndrome (MONDO:0010645). - Inheritance information for this variant is not currently available in this individual.

Laboratory of Medical Genetics, National & Kapodistrian University of Athens
Classification: Likely pathogenic for Lowe syndrome. Last evaluated: 2021-10-05. Review status: criteria provided, single submitter. Criteria: ACMG Guidelines, 2015. Collection method: clinical testing. Allele origin: unknown. Affected: yes.
Comment: PM1, PM2, PP2, PP3

Literature cited by the submitters: PubMed 23947751 (cited by Victorian Clinical Genetics Services, Murdoch Childrens Research Institute).